The following is an entry in ClinVar:

NM_004525.3(LRP2):c.4912A>G (p.Ser1638Gly)

Gene: LRP2 (LDL receptor related protein 2; minus strand). Cytogenetic location: 2q31.1.
Variant type: single nucleotide variant.
Coding change: c.4912A>G on transcript NM_004525.3 (MANE Select); coding-DNA position 4912, A replaced by G.
Protein change: p.Ser1638Gly; replaces serine 1638 with glycine.
Molecular consequence: missense variant.
Genome position (GRCh38, 1-based): chr2:169,235,848, T>C on the plus strand (A>G on the coding strand, the complement: LRP2 is on the minus strand). VCF-style: chr2-169235848-T-C. GRCh37 (hg19) VCF-style: chr2-170092358-T-C.
Other names: short protein forms S1638G.
Identifiers: ClinVar variation 1524035 (VCV001524035.5), dbSNP rs756821187, ClinGen allele CA59911803.
Genomic context (GRCh38, chr2:169,235,848, plus strand): 5'-CTACCTATCCACGACTGTAGTTTTAATTTGGTTTTCCTCACCACCAACTTACCAAATCAC[T>C]GGCTATCACCTGTCTCCGATGGTGTCCATTATAATCACAAAAGTCCATGTAATCAAGATA-3'
Protein context (NP_004516.2, residues 1628-1648): NGHHRRQVIA[Ser1638Gly]DLIIRHPYAL

ClinVar aggregate classification (germline): Uncertain significance (1 of 4 stars; one submission).

Allele frequency attached by ClinVar (database versions not stated): gnomAD exomes below 0.00001 and 0.00001; gnomAD 0.00001.
gnomAD v4.1: 9 of 1,613,682 alleles (0.00056%); highest among the groups gnomAD compares: Non-Finnish European, 0.00076%; no homozygotes.

Submission:

Labcorp Genetics (formerly Invitae), Labcorp
Classification: Uncertain significance. Last evaluated: 2021-08-28. Review status: criteria provided, single submitter. Criteria: Invitae Variant Classification Sherloc (09022015). Collection method: clinical testing. Allele origin: germline.
Comment: This sequence change replaces serine with glycine at codon 1638 of the LRP2 protein (p.Ser1638Gly). The serine residue is highly conserved and there is a small physicochemical difference between serine and glycine. This variant is not present in population databases (ExAC no frequency). This variant has not been reported in the literature in individuals affected with LRP2-related conditions. Advanced modeling of protein sequence and biophysical properties (such as structural, functional, and spatial information, amino acid conservation, physicochemical variation, residue mobility, and thermodynamic stability) performed at Invitae indicates that this missense variant is not expected to disrupt LRP2 protein function. In summary, the available evidence is currently insufficient to determine the role of this variant in disease. Therefore, it has been classified as a Variant of Uncertain Significance.